The following is an entry in ClinVar:

NM_006766.5(KAT6A):c.4348_4349del (p.Leu1450fs)

Gene: KAT6A (lysine acetyltransferase 6A; minus strand). Cytogenetic location: 8p11.21.
Variant type: Microsatellite.
Coding change: c.4348_4349del on transcript NM_006766.5 (MANE Select); coding-DNA positions 4348 to 4349, 2 bases deleted (CT; older notation c.4348_4349delCT).
Protein change: p.Leu1450fs; shifts the reading frame from leucine 1450.
Molecular consequence: frameshift variant.
Genome position (GRCh38, 1-based): chr8:41,933,871-41,933,872, AG deleted on the plus strand (CT on the coding strand, the reverse complement: KAT6A is on the minus strand); deleting any 2 consecutive bases within chr8:41,933,871-41,933,874 gives the same sequence; the c. name uses the placement nearest the transcript's 3' end. VCF-style (leftmost placement, unchanged base first): chr8-41933870-AAG-A. GRCh37 (hg19) VCF-style: chr8-41791388-AAG-A.
Other names: short protein forms L1450fs.
Identifiers: ClinVar variation 988752 (VCV000988752.4), dbSNP rs2486755227, ClinGen allele CA2580614345.
Genomic context (GRCh38, chr8:41,933,870, plus strand): 5'-CATGGACATCTGAGGGTCCTCGTCAGCCTGGGTGTAACTCTGCAGGGTCTGACACGCCGC[AAG>A]AGTTTCCTCACAGTCCTGGTAGGCGCCCTCATGCTCACTGCTTTCTTCTTGAGTCAAAGA-3'

ClinVar aggregate classification (germline): Pathogenic. Review status: criteria provided, single submitter (1 of 4 stars). 2 submissions from 2 submitters: Pathogenic (1). 1 of the submissions does not count toward it. Last evaluated 2023-10-22.

Conditions:
Autosomal dominant intellectual disability-craniofacial anomalies-cardiac defects syndrome (ARTHS). Also called: Arboleda-Tham syndrome; Mental retardation, autosomal dominant 32; KAT6A syndrome. Identifiers: Orphanet 457193, MedGen C4225396, MONDO:0014558, OMIM 616268.

Submissions (2):

Labcorp Genetics (formerly Invitae), Labcorp
Classification: Pathogenic. Last evaluated: 2023-10-22. Review status: criteria provided, single submitter. Criteria: Invitae Variant Classification Sherloc (09022015). Collection method: clinical testing. Allele origin: germline.
Comment: This sequence change creates a premature translational stop signal (p.Leu1450Cysfs*13) in the KAT6A gene. While this is not anticipated to result in nonsense mediated decay, it is expected to disrupt the last 555 amino acid(s) of the KAT6A protein. This variant is not present in population databases (gnomAD no frequency). This variant has not been reported in the literature in individuals affected with KAT6A-related conditions. ClinVar contains an entry for this variant (Variation ID: 988752). This variant disrupts a region of the KAT6A protein in which other variant(s) (p.Thr1762Hisfs*11) have been determined to be pathogenic (Invitae). This suggests that this is a clinically significant region of the protein, and that variants that disrupt it are likely to be disease-causing. For these reasons, this variant has been classified as Pathogenic.

Service de Génétique Moléculaire, Hôpital Robert Debré
Classification: Likely pathogenic for Autosomal dominant intellectual disability-craniofacial anomalies-cardiac defects syndrome. Last evaluated: 2020-09-25. Review status: no assertion criteria provided. Collection method: clinical testing. Allele origin: de novo. Affected: yes. Not counted in ClinVar's aggregate classification.